The following is an entry in ClinVar:

ClinVar aggregate classification (germline): Uncertain significance (1 of 4 stars; one submission).

Conditions:
RPGRIP1L-related disorder. Also called: RPGRIP1L-related disorders; RPGRIP1L-related condition. Identifiers: MedGen CN239416.

Submission:

PreventionGenetics, part of Exact Sciences
Classification: Uncertain significance for RPGRIP1L-related condition. Last evaluated: 2025-06-02. Review status: criteria provided, single submitter. Criteria: ACMG Guidelines, 2015. Collection method: clinical testing. Allele origin: germline.
Comment: The RPGRIP1L c.809A>C variant is predicted to result in the amino acid substitution p.Lys270Thr. To our knowledge, this variant has not been reported in the literature or in a large population database (gnomAD), indicating this variant is rare. At this time, the clinical significance of this variant is uncertain due to the absence of conclusive functional and genetic evidence.

NM_015272.5(RPGRIP1L):c.809A>C (p.Lys270Thr)

Gene: RPGRIP1L (RPGRIP1 like; minus strand). Cytogenetic location: 16q12.2.
Variant type: single nucleotide variant.
Coding change: c.809A>C on transcript NM_015272.5 (MANE Select); coding-DNA position 809, A replaced by C.
Protein change: p.Lys270Thr; replaces lysine 270 with threonine.
Molecular consequence: missense variant.
Genome position (GRCh38, 1-based): chr16:53,675,090, T>G on the plus strand (A>C on the coding strand, the complement: RPGRIP1L is on the minus strand). VCF-style: chr16-53675090-T-G. GRCh37 (hg19) VCF-style: chr16-53709002-T-G.
Other names: c.809A>C, p.Lys270Thr (NM_001127897.4, NM_001308334.3, NM_001330538.2); short protein forms K270T.
Identifiers: ClinVar variation 4986040 (VCV004986040.1).